The following is an entry in ClinVar:

NM_007348.4(ATF6):c.1618A>G (p.Ser540Gly)

Gene: ATF6 (activating transcription factor 6; plus strand). Cytogenetic location: 1q23.3.
Variant type: single nucleotide variant.
Coding change: c.1618A>G on transcript NM_007348.4 (MANE Select); coding-DNA position 1618, A replaced by G.
Protein change: p.Ser540Gly; replaces serine 540 with glycine.
Molecular consequence: missense variant.
Genome position (GRCh38, 1-based): chr1:161,863,211, A>G. VCF-style: chr1-161863211-A-G. GRCh37 (hg19) VCF-style: chr1-161833001-A-G.
Other names: c.1618A>G (NM_007348.3); short protein forms S540G.
Identifiers: ClinVar variation 1489226 (VCV001489226.6), dbSNP rs761144728, ClinGen allele CA1214553.

ClinVar aggregate classification (germline): Uncertain significance. Review status: criteria provided, multiple submitters, no conflicts (2 of 4 stars). 2 submissions from 2 submitters: Uncertain significance (2). Last evaluated 2025-06-07.

Conditions:
Inborn genetic diseases. Identifiers: MedGen C0950123, MeSH D030342.

Allele frequency attached by ClinVar (database versions not stated): gnomAD exomes below 0.00001 and 0.00002; TOPMed 0.00002; gnomAD 0.00001; ExAC 0.00002.
gnomAD v4.1: 37 of 1,598,042 alleles (0.0023%); highest among the groups gnomAD compares: Non-Finnish European, 0.0029%; no homozygotes.

Submissions (2):

Ambry Genetics
Classification: Uncertain significance for Inborn genetic diseases. Last evaluated: 2025-06-07. Review status: criteria provided, single submitter. Criteria: Ambry Variant Classification Scheme 2023. Collection method: clinical testing. Allele origin: germline.

Labcorp Genetics (formerly Invitae), Labcorp
Classification: Uncertain significance. Last evaluated: 2022-08-05. Review status: criteria provided, single submitter. Criteria: Invitae Variant Classification Sherloc (09022015). Collection method: clinical testing. Allele origin: germline.
Comment: This sequence change replaces serine, which is neutral and polar, with glycine, which is neutral and non-polar, at codon 540 of the ATF6 protein (p.Ser540Gly). This variant is present in population databases (rs761144728, gnomAD 0.007%). This variant has not been reported in the literature in individuals affected with ATF6-related conditions. ClinVar contains an entry for this variant (Variation ID: 1489226). Algorithms developed to predict the effect of missense changes on protein structure and function (SIFT, PolyPhen-2, Align-GVGD) all suggest that this variant is likely to be tolerated. Algorithms developed to predict the effect of sequence changes on RNA splicing suggest that this variant may create or strengthen a splice site. In summary, the available evidence is currently insufficient to determine the role of this variant in disease. Therefore, it has been classified as a Variant of Uncertain Significance.